The following is an entry in ClinVar:

ClinVar aggregate classification (germline): Pathogenic. Review status: criteria provided, multiple submitters, no conflicts (2 of 4 stars). 4 submissions from 4 submitters: Pathogenic (3). 1 of the submissions does not count toward it. Last evaluated 2024-03-14.

Conditions:
Xeroderma pigmentosum, group C (XPC). Also called: XPC-Related Xeroderma Pigmentosum; Xeroderma pigmentosum, complementation group C; XERODERMA PIGMENTOSUM III; XP, GROUP C. Identifiers: Orphanet 910, MedGen C2752147, MONDO:0010211, OMIM 278720.

Allele frequency attached by ClinVar (database versions not stated): ExAC below 0.00001; TOPMed below 0.00001; gnomAD 0.00001; gnomAD exomes 0.00001.

Submissions (4):

Genomic Medicine Center of Excellence, King Faisal Specialist Hospital and Research Centre
Classification: Pathogenic for Xeroderma pigmentosum, group C. Last evaluated: 2024-03-14. Review status: criteria provided, single submitter. Criteria: ACMG Guidelines, 2015. Collection method: clinical testing. Allele origin: germline.

Labcorp Genetics (formerly Invitae), Labcorp
Classification: Pathogenic. Last evaluated: 2023-12-13. Review status: criteria provided, single submitter. Criteria: Invitae Variant Classification Sherloc (09022015). Collection method: clinical testing. Allele origin: germline.
Comment: This sequence change creates a premature translational stop signal (p.Arg247*) in the XPC gene. It is expected to result in an absent or disrupted protein product. Loss-of-function variants in XPC are known to be pathogenic (PMID: 23173980, 25256075). This variant is present in population databases (rs764321665, gnomAD 0.0008%). This premature translational stop signal has been observed in individual(s) with xeroderma pigmentosum (PMID: 23173980). This variant is also known as c.843C>T. ClinVar contains an entry for this variant (Variation ID: 556301). For these reasons, this variant has been classified as Pathogenic.

Baylor Genetics
Classification: Pathogenic for Xeroderma pigmentosum, group C. Last evaluated: 2022-10-08. Review status: criteria provided, single submitter. Criteria: ACMG Guidelines, 2015. Collection method: clinical testing. Allele origin: unknown.

Counsyl
Classification: Pathogenic for Xeroderma pigmentosum, group C. Last evaluated: 2018-02-05. Review status: no assertion criteria provided. Collection method: clinical testing. Allele origin: unknown. Not counted in ClinVar's aggregate classification.

Literature cited by the submitters: PubMed 23173980 (cited by Labcorp Genetics (formerly Invitae), Labcorp); PubMed 25256075 (cited by Labcorp Genetics (formerly Invitae), Labcorp); PubMed 24218596 (cited by Counsyl).

NM_004628.5(XPC):c.739C>T (p.Arg247Ter)

Gene: XPC (XPC complex subunit, DNA damage recognition and repair factor; minus strand). Cytogenetic location: 3p25.1.
Variant type: single nucleotide variant.
Coding change: c.739C>T on transcript NM_004628.5 (MANE Select); coding-DNA position 739, C replaced by T.
Protein change: p.Arg247Ter; replaces arginine 247 with a stop codon.
Molecular consequence: nonsense. On other transcripts: non-coding transcript variant (2).
Genome position (GRCh38, 1-based): chr3:14,165,468, G>A on the plus strand (C>T on the coding strand, the complement: XPC is on the minus strand). VCF-style: chr3-14165468-G-A. GRCh37 (hg19) VCF-style: chr3-14206968-G-A.
Other names: c.160C>T, p.Arg54Ter (NM_001354726.2); c.739C>T, p.Arg247Ter (NM_001354727.2, NM_001354730.2); c.721C>T, p.Arg241Ter (NM_001354729.2); short protein forms R247*, R54*, R241*.
Identifiers: ClinVar variation 556301 (VCV000556301.13), dbSNP rs764321665, ClinGen allele CA2267613.
Genomic context (GRCh38, chr3:14,165,468, plus strand): 5'-GGACAAGCGGAGGGCCTTACCACTTCACCAGGTTTGAGAGGTAGTAGGTGTCCACATCTC[G>A]AGGCAGCACTCTGGTAAAGCGGGCTGGGATGATGGACAGGCCAATAGCATGCAGATCTGG-3'